The following is an entry in ClinVar:

ClinVar aggregate classification (germline): Uncertain significance (1 of 4 stars; one submission).

gnomAD v4.1: 1 of 1,497,436 alleles (0.000067%); no homozygotes.

Submission:

Labcorp Genetics (formerly Invitae), Labcorp
Classification: Uncertain significance. Last evaluated: 2023-02-17. Review status: criteria provided, single submitter. Criteria: Invitae Variant Classification Sherloc (09022015). Collection method: clinical testing. Allele origin: germline.
Comment: This sequence change replaces glutamine, which is neutral and polar, with leucine, which is neutral and non-polar, at codon 1450 of the TOP2B protein (p.Gln1450Leu). This variant is present in population databases (no rsID available, gnomAD 0.005%). This variant has not been reported in the literature in individuals affected with TOP2B-related conditions. An algorithm developed to predict the effect of missense changes on protein structure and function (PolyPhen-2) suggests that this variant is likely to be tolerated. In summary, the available evidence is currently insufficient to determine the role of this variant in disease. Therefore, it has been classified as a Variant of Uncertain Significance.

NM_001330700.2(TOP2B):c.4364A>T (p.Gln1455Leu)

Gene: TOP2B (DNA topoisomerase II beta; minus strand). Cytogenetic location: 3p24.2.
Variant type: single nucleotide variant.
Coding change: c.4364A>T on transcript NM_001330700.2 (MANE Select); coding-DNA position 4364, A replaced by T.
Protein change: p.Gln1455Leu; replaces glutamine 1455 with leucine.
Molecular consequence: missense variant.
Genome position (GRCh38, 1-based): chr3:25,606,057, T>A on the plus strand (A>T on the coding strand, the complement: TOP2B is on the minus strand). VCF-style: chr3-25606057-T-A. GRCh37 (hg19) VCF-style: chr3-25647548-T-A.
Other names: c.4349A>T, p.Gln1450Leu (NM_001068.3); short protein forms Q1450L, Q1455L.
Identifiers: ClinVar variation 2783299 (VCV002783299.3), dbSNP rs1388182853, ClinGen allele CA351892075.